The following is an entry in ClinVar:

NM_014850.4(SRGAP3):c.2164G>A (p.Glu722Lys)

Gene: SRGAP3 (SLIT-ROBO Rho GTPase activating protein 3; minus strand). Cytogenetic location: 3p25.3.
Variant type: single nucleotide variant.
Coding change: c.2164G>A on transcript NM_014850.4 (MANE Select); coding-DNA position 2164, G replaced by A.
Protein change: p.Glu722Lys; replaces glutamic acid 722 with lysine.
Molecular consequence: missense variant.
Genome position (GRCh38, 1-based): chr3:9,010,371, C>T on the plus strand (G>A on the coding strand, the complement: SRGAP3 is on the minus strand). VCF-style: chr3-9010371-C-T. GRCh37 (hg19) VCF-style: chr3-9052055-C-T.
Other names: c.2092G>A, p.Glu698Lys (NM_001033117.3); short protein forms E698K, E722K.
Identifiers: ClinVar variation 2636741 (VCV002636741.1), dbSNP rs763116513, ClinGen allele CA2237558.

ClinVar aggregate classification (germline): Uncertain significance (1 of 4 stars; one submission).

Conditions:
SRGAP3-related disorder. Also called: SRGAP3-related condition.

Allele frequency attached by ClinVar (database versions not stated): gnomAD exomes below 0.00001; ExAC 0.00001.
gnomAD v4.1: 1 of 1,614,088 alleles (0.000062%); highest among the groups gnomAD compares: Non-Finnish European, 0.000085%; no homozygotes.

Submission:

PreventionGenetics, part of Exact Sciences
Classification: Uncertain significance for SRGAP3-related condition. Last evaluated: 2023-04-03. Review status: criteria provided, single submitter. Criteria: ACMG Guidelines, 2015. Collection method: clinical testing. Allele origin: germline.
Comment: The SRGAP3 c.2164G>A variant is predicted to result in the amino acid substitution p.Glu722Lys. To our knowledge, this variant has not been reported in the literature. This variant is reported in 0.00088% of alleles in individuals of European (Non-Finnish) descent in gnomAD. At this time, the clinical significance of this variant is uncertain due to the absence of conclusive functional and genetic evidence.